The following is an entry in ClinVar:

NM_001283009.2(RTEL1):c.2653G>T (p.Glu885Ter)

Genes: RTEL1 (regulator of telomere elongation helicase 1; plus strand), RTEL1-TNFRSF6B (RTEL1-TNFRSF6B readthrough (NMD candidate); plus strand). Cytogenetic location: 20q13.33.
Variant type: single nucleotide variant.
Coding change: c.2653G>T on transcript NM_001283009.2 (MANE Select); coding-DNA position 2653, G replaced by T.
Protein change: p.Glu885Ter; replaces glutamic acid 885 with a stop codon.
Molecular consequence: nonsense. On other transcripts: non-coding transcript variant (1).
Genome position (GRCh38, 1-based): chr20:63,692,805, G>T. VCF-style: chr20-63692805-G-T. GRCh37 (hg19) VCF-style: chr20-62324158-G-T.
Other names: c.1984G>T, p.Glu662Ter (NM_001283010.1); c.2653G>T, p.Glu885Ter (NM_016434.4); c.2725G>T, p.Glu909Ter (NM_032957.5); short protein forms E662*, E885*, E909*.
Identifiers: ClinVar variation 1071780 (VCV001071780.13), dbSNP rs2090784564, ClinGen allele CA409682771.

ClinVar aggregate classification (germline): Pathogenic/Likely pathogenic. Review status: criteria provided, multiple submitters, no conflicts (2 of 4 stars). 2 submissions from 2 submitters: Pathogenic (1); Likely pathogenic (1). Last evaluated 2025-04-07.

Conditions:
RTEL1-related disorder. Also called: RTEL1-related condition; RTEL1-related disorders.
Pulmonary fibrosis and/or bone marrow failure, Telomere-related, 3. Also called: PULMONARY FIBROSIS AND/OR BONE MARROW FAILURE SYNDROME, TELOMERE-RELATED, 3. Identifiers: Orphanet 2032, MedGen C4225346, MONDO:0014613, OMIM 616373.
Dyskeratosis congenita, autosomal recessive 5 (DKCB5). Identifiers: MedGen C3554656, MONDO:0014076, OMIM 615190.

Submissions (2):

Labcorp Genetics (formerly Invitae), Labcorp
Classification: Pathogenic for Dyskeratosis congenita, autosomal recessive 5; Pulmonary fibrosis and/or bone marrow failure, Telomere-related, 3. Last evaluated: 2025-04-07. Review status: criteria provided, single submitter. Criteria: Invitae Variant Classification Sherloc (09022015). Collection method: clinical testing. Allele origin: germline.
Comment: This sequence change creates a premature translational stop signal (p.Glu885*) in the RTEL1 gene. It is expected to result in an absent or disrupted protein product. Loss-of-function variants in RTEL1 are known to be pathogenic (PMID: 23453664, 23959892, 25607374). This variant is not present in population databases (gnomAD no frequency). This variant has not been reported in the literature in individuals affected with RTEL1-related conditions. ClinVar contains an entry for this variant (Variation ID: 1071780). Algorithms developed to predict the effect of sequence changes on RNA splicing suggest that this variant may disrupt the consensus splice site. For these reasons, this variant has been classified as Pathogenic.

Blueprint Genetics
Classification: Likely pathogenic for RTEL1-related disorders. Last evaluated: 2019-06-19. Review status: criteria provided, single submitter. Criteria: ACMG Guidelines, 2015. Collection method: clinical testing. Allele origin: germline. Affected: yes. Observed: 1 variant allele.

Literature cited by the submitters: PubMed 23453664 (cited by Labcorp Genetics (formerly Invitae), Labcorp); PubMed 23959892 (cited by Labcorp Genetics (formerly Invitae), Labcorp); PubMed 25607374 (cited by Labcorp Genetics (formerly Invitae), Labcorp).